The following is an entry in ClinVar:

NM_203447.4(DOCK8):c.53+14del

Genes: DOCK8 (dedicator of cytokinesis 8; plus strand), DOCK8-AS1 (DOCK8 antisense RNA 1; minus strand). Cytogenetic location: 9p24.3.
Variant type: Deletion.
Coding change: c.53+14del on transcript NM_203447.4 (MANE Select); 14 bases into the intron after coding-DNA position 53, one base deleted (C; older notation c.53+14delC).
Molecular consequence: intron variant. On other transcripts: non-coding transcript variant (1).
Genome position (GRCh38, 1-based): chr9:215,043, C deleted; the last of 6 consecutive C bases (chr9:215,038-215,043); deleting any one gives the same sequence. VCF-style (leftmost placement, unchanged base first): chr9-215037-GC-G. GRCh37 (hg19) VCF-style: chr9-215037-GC-G.
Identifiers: ClinVar variation 1167043 (VCV001167043.15), dbSNP rs749863710, ClinGen allele CA4956919.
Genomic context (GRCh38, chr9:215,037, plus strand): 5'-ATGGCCACTCTGCCGAGCGCAGAGCGCCGCGCGTTCGCGCTCAAGATCAACAGGTAAGAC[GC>G]CCCCCGCGGCGCGCAGGTTGCGGCCGGACAGCCCAGCGCTGGTGTGAAGCGGAGCTTCGC-3'

ClinVar aggregate classification (germline): Benign/Likely benign. Review status: criteria provided, multiple submitters, no conflicts (2 of 4 stars). 2 submissions from 2 submitters: Benign (1); Likely benign (1). Last evaluated 2024-01-22.

Conditions:
Combined immunodeficiency due to DOCK8 deficiency (HIES2). Also called: HIES autosomal recessive; HYPER-IgE RECURRENT INFECTION SYNDROME 2, AUTOSOMAL RECESSIVE; HYPER-IgE SYNDROME 2, AUTOSOMAL RECESSIVE, WITH RECURRENT INFECTIONS; Hyper-IgE recurrent infection syndrome, autosomal recessive; DOCK8 Deficiency. Identifiers: Orphanet 217390, MedGen C4722305, MONDO:0009478, OMIM 243700.

Submissions (2):

Labcorp Genetics (formerly Invitae), Labcorp
Classification: Benign for Combined immunodeficiency due to DOCK8 deficiency. Last evaluated: 2024-01-22. Review status: criteria provided, single submitter. Criteria: Invitae Variant Classification Sherloc (09022015). Collection method: clinical testing. Allele origin: germline.

Women's Health and Genetics/Laboratory Corporation of America, LabCorp
Classification: Likely benign. Last evaluated: 2022-02-22. Review status: criteria provided, single submitter. Criteria: LabCorp Variant Classification Summary - May 2015. Collection method: clinical testing. Allele origin: germline.
Comment: Variant summary: DOCK8 c.53+14delC alters a conserved nucleotide located close to a canonical splice site and therefore could affect mRNA splicing, leading to a significantly altered protein sequence. 4/4 computational tools predict no significant impact on normal splicing. However, these predictions have yet to be confirmed by functional studies. The variant removes a C nucleotide from a string of C nucleotides within intron 1 of the DOCK8 gene. The variant allele was found at a frequency of 7.4e-05 in 175256 control chromosomes (gnomAD). This frequency is not higher than expected for a pathogenic variant in DOCK8 causing Severe Combined Immunodeficiency (7.4e-05 vs 0.00035), allowing no conclusion about variant significance. To our knowledge, no occurrence of c.53+14delC in individuals affected with Severe Combined Immunodeficiency and no experimental evidence demonstrating its impact on protein function have been reported. A ClinVar submitter (evaluation after 2014) cites the variant as benign. Based on the evidence outlined above, the variant was classified as likely benign.